The following is an entry in ClinVar:

ClinVar aggregate classification (germline): Benign. Review status: criteria provided, multiple submitters, no conflicts (2 of 4 stars). 3 submissions from 2 submitters: Benign (3). Last evaluated 2018-01-13.

Conditions:
Hereditary motor and sensory neuropathy with optic atrophy. Also called: PERIPHERAL NEUROPATHY AND OPTIC ATROPHY; CHARCOT-MARIE-TOOTH DISEASE, TYPE 6. Identifiers: Orphanet 90120, MedGen C0393807, MONDO:0019551.
Charcot-Marie-Tooth disease type 2. Also called: Charcot-Marie-Tooth type 2. Identifiers: Orphanet 64746, MedGen C0270914, MONDO:0018993.

Allele frequency attached by ClinVar (database versions not stated): TOPMed 0.04709; gnomAD 0.04860 and 0.05332; 1000 Genomes Project 30x 0.08073; 1000 Genomes Project 0.08427; gnomAD exomes 0.05462.
gnomAD v4.1: 8,144 of 152,434 alleles (5.3%); highest among the groups gnomAD compares: East Asian, 15%; 318 homozygotes.

Submissions (3):

Illumina Laboratory Services, Illumina
Classification: Benign for Charcot-Marie-Tooth disease, type 2. Last evaluated: 2018-01-13. Review status: criteria provided, single submitter. Criteria: ICSL Variant Classification Criteria 13 December 2019. Collection method: clinical testing. Allele origin: germline.
Comment: This variant was observed in the ICSL laboratory as part of a predisposition screen in an ostensibly healthy population. It had not been previously curated by ICSL or reported in the Human Gene Mutation Database (HGMD: prior to June 1st, 2018), and was therefore a candidate for classification through an automated scoring system. Utilizing variant allele frequency, disease prevalence and penetrance estimates, and inheritance mode, an automated score was calculated to assess if this variant is too frequent to cause the disease. Based on the score and internal cut-off values, a variant classified as benign is not then subjected to further curation. The score for this variant resulted in a classification of benign for this disease.

Illumina Laboratory Services, Illumina
Classification: Benign for Neuropathy, hereditary motor and sensory, type 6A. Last evaluated: 2018-01-13. Review status: criteria provided, single submitter. Criteria: ICSL Variant Classification Criteria 13 December 2019. Collection method: clinical testing. Allele origin: germline.
Comment: the same text as in the submission from Illumina Laboratory Services, Illumina above.

Breakthrough Genomics
Classification: Benign. Review status: criteria provided, single submitter. Criteria: ACMG Guidelines, 2015. Collection method: not provided. Allele origin: germline. Inheritance: Autosomal recessive inheritance. Affected: yes.

NM_014874.4(MFN2):c.*912C>T

Gene: MFN2 (mitofusin 2; plus strand). Cytogenetic location: 1p36.22.
Variant type: single nucleotide variant.
Coding change: c.*912C>T on transcript NM_014874.4 (MANE Select); 912 bases downstream of the stop codon, C replaced by T.
Molecular consequence: 3 prime UTR variant.
Genome position (GRCh38, 1-based): chr1:12,012,477, C>T. VCF-style: chr1-12012477-C-T. GRCh37 (hg19) VCF-style: chr1-12072534-C-T.
Other names: c.*912C>T (NM_001127660.2).
Identifiers: ClinVar variation 292394 (VCV000292394.6), dbSNP rs14305, ClinGen allele CA10607987.
Genomic context (GRCh38, chr1:12,012,477, plus strand): 5'-GATGGTGGAAGGTGGGGACGTTGGTGGCTGGCTGAGGTGCATGGGCCCCACACAGGACAG[C>T]TGGAGAATGGGCCGTCCACTTGGCCTCGTTCTGCGAGGGGCTCATGGGTCTGAGAGCCCC-3'